The following is an entry in ClinVar:

ClinVar aggregate classification (germline): Pathogenic (1 of 4 stars; one submission).

Conditions:
Primary ciliary dyskinesia. Also called: Ciliary dyskinesia. Identifiers: Orphanet 244, MedGen C0008780, MONDO:0016575, HP:0012265.

Allele frequency attached by ClinVar (database versions not stated): gnomAD 0.00001; TOPMed 0.00001.
gnomAD v4.1: 2 of 1,614,110 alleles (0.00012%); highest among the groups gnomAD compares: Non-Finnish European, 0.00017%; no homozygotes.

Submission:

Labcorp Genetics (formerly Invitae), Labcorp
Classification: Pathogenic for Primary ciliary dyskinesia. Last evaluated: 2023-08-24. Review status: criteria provided, single submitter. Criteria: Invitae Variant Classification Sherloc (09022015). Collection method: clinical testing. Allele origin: germline.
Comment: This variant has not been reported in the literature in individuals affected with CCDC103-related conditions. For these reasons, this variant has been classified as Pathogenic. This variant disrupts a region of the CCDC103 protein in which other variant(s) (p.Ser190Argfs*19) have been determined to be pathogenic (Invitae). This suggests that this is a clinically significant region of the protein, and that variants that disrupt it are likely to be disease-causing. This variant is not present in population databases (gnomAD no frequency). This sequence change creates a premature translational stop signal (p.Gln136*) in the CCDC103 gene. While this is not anticipated to result in nonsense mediated decay, it is expected to disrupt the last 107 amino acid(s) of the CCDC103 protein.

NM_213607.3(DNAAF19):c.406C>T (p.Gln136Ter)

Gene: DNAAF19 (dynein axonemal assembly factor 19; plus strand). Cytogenetic location: 17q21.31.
Variant type: single nucleotide variant.
Coding change: c.406C>T on transcript NM_213607.3 (MANE Select); coding-DNA position 406, C replaced by T.
Protein change: p.Gln136Ter; replaces glutamine 136 with a stop codon.
Molecular consequence: nonsense. On other transcripts: 3 prime UTR variant (3).
Genome position (GRCh38, 1-based): chr17:44,902,494, C>T. VCF-style: chr17-44902494-C-T. GRCh37 (hg19) VCF-style: chr17-42979862-C-T.
Other names: c.406C>T, p.Gln136Ter (NM_001258395.2, NM_001258396.2); c.*156C>T (NM_001258397.3); c.*95C>T (NM_001258398.3, NM_001258399.2); short protein forms Q136*.
Identifiers: ClinVar variation 2723287 (VCV002723287.2), dbSNP rs1470852605, ClinGen allele CA399829016.